The following is an entry in ClinVar:

NM_000288.4(PEX7):c.136_137delinsCT (p.Gly46Leu)

Gene: PEX7 (peroxisomal biogenesis factor 7; plus strand). Cytogenetic location: 6q23.3.
Variant type: Indel.
Coding change: c.136_137delinsCT on transcript NM_000288.4 (MANE Select); coding-DNA positions 136 to 137, GG replaced by CT.
Protein change: p.Gly46Leu; replaces glycine 46 with leucine.
Molecular consequence: missense variant.
Genome position (GRCh38, 1-based): chr6:136,825,219-136,825,220, GG replaced by CT. VCF-style: chr6-136825219-GG-CT. GRCh37 (hg19) VCF-style: chr6-137146357-GG-CT.
Other names: short protein forms G46L.
Identifiers: ClinVar variation 1345730 (VCV001345730.6), dbSNP rs2115129066, ClinGen allele CA2573140625.

ClinVar aggregate classification (germline): Uncertain significance (1 of 4 stars; one submission).

Conditions:
Peroxisome biogenesis disorder 9B. Also called: PEX7-Related Refsum Disease; Refsum disease, adult, 2; PEROXISOME BIOGENESIS DISORDER, PEX7-RELATED, ATYPICAL. Identifiers: Orphanet 773, MedGen C2749346, MONDO:0013945, OMIM 614879.

Submission:

Labcorp Genetics (formerly Invitae), Labcorp
Classification: Uncertain significance for Peroxisome biogenesis disorder 9B. Last evaluated: 2021-04-16. Review status: criteria provided, single submitter. Criteria: Invitae Variant Classification Sherloc (09022015). Collection method: clinical testing. Allele origin: germline.
Comment: In summary, the available evidence is currently insufficient to determine the role of this variant in disease. Therefore, it has been classified as a Variant of Uncertain Significance. Algorithms developed to predict the effect of missense changes on protein structure and function are either unavailable or do not agree on the potential impact of this missense change (SIFT: "Not Available"; PolyPhen-2: "Probably Damaging"; Align-GVGD: "Not Available"). This variant has not been reported in the literature in individuals with PEX7-related conditions. The frequency data for this variant in the population databases is not available, as this variant may be reported as separate entries in the ExAC database. This sequence change replaces glycine with leucine at codon 46 of the PEX7 protein (p.Gly46Leu). The glycine residue is highly conserved and there is a moderate physicochemical difference between glycine and leucine.